The following is an entry in ClinVar:

NM_000156.6(GAMT):c.670G>C (p.Ala224Pro)

Gene: GAMT (guanidinoacetate N-methyltransferase; minus strand). Cytogenetic location: 19p13.3.
Variant type: single nucleotide variant.
Coding change: c.670G>C on transcript NM_000156.6 (MANE Select); coding-DNA position 670, G replaced by C.
Protein change: p.Ala224Pro; replaces alanine 224 with proline.
Molecular consequence: missense variant.
Genome position (GRCh38, 1-based): chr19:1,397,400, C>G on the plus strand (G>C on the coding strand, the complement: GAMT is on the minus strand). VCF-style: chr19-1397400-C-G. GRCh37 (hg19) VCF-style: chr19-1397399-C-G.
Other names: c.670G>C (NM_000156.5); short protein forms A224P.
Identifiers: ClinVar variation 1382565 (VCV001382565.9), dbSNP rs141471799, ClinGen allele CA402990421.

ClinVar aggregate classification (germline): Uncertain significance. Review status: criteria provided, multiple submitters, no conflicts (2 of 4 stars). 2 submissions from 2 submitters: Uncertain significance (2). Last evaluated 2025-08-18.

Conditions:
Inborn genetic diseases. Identifiers: MedGen C0950123, MeSH D030342.
Cerebral creatine deficiency syndrome. Also called: Creatine deficiency syndromes. Identifiers: Orphanet 79172, MedGen C5244016, MONDO:0000456.

gnomAD v4.1: 2 of 1,612,350 alleles (0.00012%); highest among the groups gnomAD compares: African/African-American, 0.0027%; no homozygotes.

Submissions (2):

Labcorp Genetics (formerly Invitae), Labcorp
Classification: Uncertain significance for Cerebral creatine deficiency syndrome. Last evaluated: 2025-08-18. Review status: criteria provided, single submitter. Criteria: Invitae Variant Classification Sherloc (09022015). Collection method: clinical testing. Allele origin: germline.
Comment: This sequence change replaces alanine, which is neutral and non-polar, with proline, which is neutral and non-polar, at codon 224 of the GAMT protein (p.Ala224Pro). This variant is not present in population databases (gnomAD no frequency). This variant has not been reported in the literature in individuals affected with GAMT-related conditions. ClinVar contains an entry for this variant (Variation ID: 1382565). Invitae Evidence Modeling of protein sequence and biophysical properties (such as structural, functional, and spatial information, amino acid conservation, physicochemical variation, residue mobility, and thermodynamic stability) indicates that this missense variant is not expected to disrupt GAMT protein function with a negative predictive value of 95%. In summary, the available evidence is currently insufficient to determine the role of this variant in disease. Therefore, it has been classified as a Variant of Uncertain Significance.

Ambry Genetics
Classification: Uncertain significance for Inborn genetic diseases. Last evaluated: 2023-11-27. Review status: criteria provided, single submitter. Criteria: Ambry Variant Classification Scheme 2023. Collection method: clinical testing. Allele origin: germline.